The following is an entry in ClinVar:

ClinVar aggregate classification (germline): Uncertain significance. Review status: criteria provided, multiple submitters, no conflicts (2 of 4 stars). 2 submissions from 2 submitters: Uncertain significance (2). Last evaluated 2023-07-30.

Conditions:
Complex cortical dysplasia with other brain malformations 6. Identifiers: MedGen C4014283, MONDO:0014341, OMIM 615771.

Submissions (2):

GeneDx
Classification: Uncertain significance. Last evaluated: 2023-07-30. Review status: criteria provided, single submitter. Criteria: GeneDx Variant Classification Process June 2021. Collection method: clinical testing. Allele origin: germline. Affected: yes.
Comment: Not observed at significant frequency in large population cohorts (gnomAD); In silico analysis supports that this missense variant has a deleterious effect on protein structure/function; Has not been previously published as pathogenic or benign to our knowledge

HudsonAlpha Institute for Biotechnology
Classification: Uncertain significance for Complex cortical dysplasia with other brain malformations 6. Last evaluated: 2020-04-17. Review status: criteria provided, single submitter. Criteria: ACMG Guidelines, 2015. Collection method: research. Allele origin: unknown. Observed: 1 variant allele. Study: HudsonAlpha-AGHI-WGS.
Comment: ACMG codes:PM2, PP3

NM_178014.4(TUBB):c.299A>G (p.Asn100Ser)

Gene: TUBB (tubulin beta class I; plus strand). Cytogenetic location: 6p21.33.
Variant type: single nucleotide variant.
Coding change: c.299A>G on transcript NM_178014.4 (MANE Select); coding-DNA position 299, A replaced by G.
Protein change: p.Asn100Ser; replaces asparagine 100 with serine.
Molecular consequence: missense variant.
Genome position (GRCh38, 1-based): chr6:30,723,361, A>G. VCF-style: chr6-30723361-A-G. GRCh37 (hg19) VCF-style: chr6-30691138-A-G.
Other names: c.359A>G, p.Asn120Ser (NM_001293212.2); c.299A>G, p.Asn100Ser (NM_001293213.2); c.167A>G, p.Asn56Ser (NM_001293214.2); c.83A>G, p.Asn28Ser (NM_001293215.2, NM_001293216.2); c.299A>G (NM_178014.3); short protein forms N100S, N120S, N28S, N56S.
Identifiers: ClinVar variation 1251922 (VCV001251922.2), dbSNP rs2127749060, ClinGen allele CA363144418.